The following is an entry in ClinVar:

NM_001370259.2(MEN1):c.1631del (p.Pro544fs)

Gene: MEN1 (menin 1; minus strand). Cytogenetic location: 11q13.1.
Variant type: Deletion.
Coding change: c.1631del on transcript NM_001370259.2 (MANE Select); coding-DNA position 1631, one base deleted (C; older notation c.1631delC).
Protein change: p.Pro544fs; shifts the reading frame from proline 544.
Molecular consequence: frameshift variant. On other transcripts: non-coding transcript variant (4).
Genome position (GRCh38, 1-based): chr11:64,804,536, G deleted on the plus strand (C on the coding strand, the reverse complement: MEN1 is on the minus strand); the first of 2 consecutive G bases (chr11:64,804,536-64,804,537); deleting either gives the same sequence. VCF-style (leftmost placement, unchanged base first): chr11-64804535-TG-T. GRCh37 (hg19) VCF-style: chr11-64572007-TG-T.
Other names: c.1646del, p.Pro549fs (NM_130803.3, NM_130804.3, NM_000244.4 and 4 more transcripts); c.1757del, p.Pro586fs (NM_001370251.2, NM_001407142.1, NM_001407143.1 and 1 more transcripts); c.1631del, p.Pro544fs (NM_001370260.2, NM_001370261.2, NM_001407146.1 and 2 more transcripts); c.1526del, p.Pro509fs (NM_001370262.2, NM_001370263.2, NM_001407148.1 and 1 more transcripts); c.1772del, p.Pro591fs (NM_001407150.1); c.1652del, p.Pro551fs (NM_001407151.1); c.1466del, p.Pro489fs (NM_001407152.1); c.1631delC (NM_130799.2); short protein forms P509fs, P544fs, P549fs, P489fs, P591fs, P551fs, P586fs.
Identifiers: ClinVar variation 3872259 (VCV003872259.1).

ClinVar aggregate classification (germline): Pathogenic (1 of 4 stars; one submission).

Conditions:
Hereditary cancer-predisposing syndrome. Also called: Tumor predisposition; Neoplastic Syndromes, Hereditary; Hereditary Cancer Syndrome; Hereditary neoplastic syndrome. Identifiers: Orphanet 140162, MedGen C0027672, MeSH D009386, MONDO:0015356.

Submission:

Ambry Genetics
Classification: Pathogenic for Hereditary cancer-predisposing syndrome. Last evaluated: 2025-03-11. Review status: criteria provided, single submitter. Criteria: Ambry Variant Classification Scheme 2023. Collection method: clinical testing. Allele origin: germline.
Comment: The c.1631delC pathogenic mutation, located in coding exon 9 of the MEN1 gene, results from a deletion of one nucleotide at nucleotide position 1631, causing a translational frameshift with a predicted alternate stop codon (p.P544Hfs*15). This alteration occurs at the 3' terminus of the MEN1 gene, is not expected to trigger nonsense-mediated mRNA decay, and impacts the last 11% of the protein. However, premature stop codons are typically deleterious in nature and a significant portion of the protein is affected (Ambry internal data). This variant was reported in individual(s) with features consistent with multiple endocrine neoplasia type 1 (Ambry internal data). This variant is considered to be rare based on population cohorts in the Genome Aggregation Database (gnomAD). Based on the supporting evidence, this variant is interpreted as a disease-causing mutation.